The following is an entry in ClinVar:

NM_024817.3(THSD4):c.1153-113066G>A

Gene: THSD4 (thrombospondin type 1 domain containing 4; plus strand). Cytogenetic location: 15q23.
Variant type: single nucleotide variant.
Coding change: c.1153-113066G>A on transcript NM_024817.3 (MANE Select); 113066 bases into the intron before coding-DNA position 1153, G replaced by A.
Molecular consequence: intron variant. On other transcripts: missense variant (1).
Genome position (GRCh38, 1-based): chr15:71,547,464, G>A. VCF-style: chr15-71547464-G-A. GRCh37 (hg19) VCF-style: chr15-71839803-G-A.
Other names: c.55G>A, p.Ala19Thr (NM_001286429.2); c.1153-113066G>A (NM_001394532.1); short protein forms A19T.
Identifiers: ClinVar variation 2578743 (VCV002578743.25), dbSNP rs117286812, ClinGen allele CA7639422.

ClinVar aggregate classification (germline): Likely benign (1 of 4 stars; one submission).

Allele frequency attached by ClinVar (database versions not stated): 1000 Genomes Project 30x 0.00234; 1000 Genomes Project 0.00260; ExAC 0.00352; TOPMed 0.00410; gnomAD 0.00472; gnomAD exomes 0.00635.
gnomAD v4.1: 9,490 of 1,550,422 alleles (0.61%); highest among the groups gnomAD compares: Non-Finnish European, 0.74%; 45 homozygotes.

Submission:

CeGaT Center for Human Genetics Tuebingen
Classification: Likely benign. Last evaluated: 2026-09-01. Review status: criteria provided, single submitter. Criteria: CeGaT Center For Human Genetics Tuebingen Variant Classification Criteria Version 2. Collection method: clinical testing. Allele origin: germline. Affected: yes. Observed: 14 variant alleles.
Comment: THSD4: BP4, BS2